The following is an entry in ClinVar:

NM_003280.3(TNNC1):c.175G>A (p.Glu59Lys)

Gene: TNNC1 (troponin C1, slow skeletal and cardiac type; minus strand). Cytogenetic location: 3p21.1.
Variant type: single nucleotide variant.
Coding change: c.175G>A on transcript NM_003280.3 (MANE Select); coding-DNA position 175, G replaced by A.
Protein change: p.Glu59Lys; replaces glutamic acid 59 with lysine.
Molecular consequence: missense variant.
Genome position (GRCh38, 1-based): chr3:52,452,133, C>T on the plus strand (G>A on the coding strand, the complement: TNNC1 is on the minus strand). VCF-style: chr3-52452133-C-T. GRCh37 (hg19) VCF-style: chr3-52486149-C-T.
Other names: short protein forms E59K.
Identifiers: ClinVar variation 1714953 (VCV001714953.5), dbSNP rs2471444594, ClinGen allele CA353168254.
Genomic context (GRCh38, chr3:52,452,133, plus strand): 5'-GTTCTTCTGGAGCCTGGGGAGGAGGGGGCTCACCGTCCTCGTCCACCTCATCGATCATCT[C>T]CTGCAGCTCCTCAGGGGTGGGGTTCTGGCCCAGCATCCTCATCACCTTGCCCAGCTCCTT-3'
Protein context (NP_003271.1, residues 49-69): GQNPTPEELQ[Glu59Lys]MIDEVDEDGS

ClinVar aggregate classification (germline): Uncertain significance (1 of 4 stars; one submission).

Conditions:
Hypertrophic cardiomyopathy 13. Also called: TNNC1-Related Familial Hypertrophic Cardiomyopathy. Identifiers: MedGen C2750472, MONDO:0013195, OMIM 613243.
Dilated cardiomyopathy 1Z (CMD1Z). Identifiers: Orphanet 154, MedGen C2678475, MONDO:0012745, OMIM 611879.

Submission:

Labcorp Genetics (formerly Invitae), Labcorp
Classification: Uncertain significance for Hypertrophic cardiomyopathy 13; Dilated cardiomyopathy 1Z. Last evaluated: 2022-08-03. Review status: criteria provided, single submitter. Criteria: Invitae Variant Classification Sherloc (09022015). Collection method: clinical testing. Allele origin: germline.
Comment: This variant has not been reported in the literature in individuals affected with TNNC1-related conditions. Algorithms developed to predict the effect of missense changes on protein structure and function are either unavailable or do not agree on the potential impact of this missense change (SIFT: "Tolerated"; PolyPhen-2: "Probably Damaging"; Align-GVGD: "Class C0"). In summary, the available evidence is currently insufficient to determine the role of this variant in disease. Therefore, it has been classified as a Variant of Uncertain Significance. This sequence change replaces glutamic acid, which is acidic and polar, with lysine, which is basic and polar, at codon 59 of the TNNC1 protein (p.Glu59Lys). This variant is not present in population databases (gnomAD no frequency).